The following is an entry in ClinVar:

ClinVar aggregate classification (germline): Likely benign. Review status: criteria provided, single submitter (1 of 4 stars). 2 submissions from 2 submitters: Likely benign (1). 1 of the submissions does not count toward it. Last evaluated 2024-10-18.

Conditions:
Hereditary spastic paraplegia 53. Also called: Spastic paraplegia 53, autosomal recessive. Identifiers: Orphanet 319199, MedGen C3539494, MONDO:0013962, OMIM 614898.
VPS37A-related disorder. Also called: VPS37A-related condition.

Allele frequency attached by ClinVar (database versions not stated): gnomAD below 0.00001 and 0.00011; TOPMed 0.00002; gnomAD exomes 0.00029 and 0.00062; ExAC 0.00066; 1000 Genomes Project 30x 0.00094; 1000 Genomes Project 0.00100.
gnomAD v4.1: 446 of 1,614,054 alleles (0.028%); highest among the groups gnomAD compares: South Asian, 0.46%; 8 homozygotes.

Submissions (2):

Labcorp Genetics (formerly Invitae), Labcorp
Classification: Likely benign for Hereditary spastic paraplegia 53. Last evaluated: 2024-10-18. Review status: criteria provided, single submitter. Criteria: Invitae Variant Classification Sherloc (09022015). Collection method: clinical testing. Allele origin: germline.

PreventionGenetics, part of Exact Sciences
Classification: Likely benign for VPS37A-related condition. Last evaluated: 2019-11-16. Review status: no assertion criteria provided. Collection method: clinical testing. Allele origin: germline. Not counted in ClinVar's aggregate classification.
Comment: This variant is classified as likely benign based on ACMG/AMP sequence variant interpretation guidelines (Richards et al. 2015 PMID: 25741868, with internal and published modifications).

NM_152415.3(VPS37A):c.446C>T (p.Pro149Leu)

Gene: VPS37A (VPS37A subunit of ESCRT-I; plus strand). Cytogenetic location: 8p22.
Variant type: single nucleotide variant.
Coding change: c.446C>T on transcript NM_152415.3 (MANE Select); coding-DNA position 446, C replaced by T.
Protein change: p.Pro149Leu; replaces proline 149 with leucine.
Molecular consequence: missense variant.
Genome position (GRCh38, 1-based): chr8:17,274,762, C>T. VCF-style: chr8-17274762-C-T. GRCh37 (hg19) VCF-style: chr8-17132271-C-T.
Other names: c.371C>T, p.Pro124Leu (NM_001145152.2); c.446C>T, p.Pro149Leu (NM_001363167.1, NM_001363173.2); c.176C>T, p.Pro59Leu (NM_001363168.1, NM_001363169.1, NM_001363170.1 and 2 more transcripts); short protein forms P124L, P149L, P59L.
Identifiers: ClinVar variation 696204 (VCV000696204.11), dbSNP rs560097044, ClinGen allele CA4643330.
Genomic context (GRCh38, chr8:17,274,762, plus strand): 5'-TAATGTAATGATCTTCTCTTTTTCTTTTCAGTCTATACAGTAACCCAAGTGGGATGTCTC[C>T]TTATGCTTCTCAGGGTTTTCCATTTCTTCCTCCATATCCTCCACAAGAAGCAAACAGGAG-3'
Protein context (NP_689628.2, residues 139-159): YLYSNPSGMS[Pro149Leu]YASQGFPFLP